The following is an entry in ClinVar:

NM_153682.3(PIGP):c.-22-50A>G

Genes: PIGP (phosphatidylinositol glycan anchor biosynthesis class P; minus strand), LOC130066643 (ATAC-STARR-seq lymphoblastoid silent region 13296; plus strand). Cytogenetic location: 21q22.13.
Variant type: single nucleotide variant.
Coding change: c.-22-50A>G on transcript NM_153682.3 (MANE Select); 50 bases into the intron before 22 bases upstream of the start codon, A replaced by G.
Molecular consequence: intron variant. On other transcripts: missense variant (1), initiator codon variant (1).
Genome position (GRCh38, 1-based): chr21:37,072,587, T>C on the plus strand (A>G on the coding strand, the complement: PIGP is on the minus strand). VCF-style: chr21-37072587-T-C. GRCh37 (hg19) VCF-style: chr21-38444887-T-C.
Other names: c.1A>G, p.Met1Val (NM_153681.2); c.-266-50A>G (NM_016430.4); c.-22-50A>G (NM_001320480.2); short protein forms M1V.
Identifiers: ClinVar variation 1420026 (VCV001420026.6), dbSNP rs147379960, ClinGen allele CA10021209.

ClinVar aggregate classification (germline): Uncertain significance. Review status: criteria provided, multiple submitters, no conflicts (2 of 4 stars). 2 submissions from 2 submitters: Uncertain significance (2). Last evaluated 2023-11-19.

Allele frequency attached by ClinVar (database versions not stated): TOPMed 0.00007; ESP Exome Variant Server 0.00008; gnomAD 0.00013; 1000 Genomes Project 30x 0.00016; gnomAD exomes 0.00017; 1000 Genomes Project 0.00020; ExAC 0.00028.
gnomAD v4.1: 260 of 1,613,836 alleles (0.016%); highest among the groups gnomAD compares: Non-Finnish European, 0.019%; no homozygotes.

Submissions (2):

Labcorp Genetics (formerly Invitae), Labcorp
Classification: Uncertain significance. Last evaluated: 2023-11-19. Review status: criteria provided, single submitter. Criteria: Invitae Variant Classification Sherloc (09022015). Collection method: clinical testing. Allele origin: germline.
Comment: This sequence change affects the initiator methionine of the PIGP mRNA. The next in-frame methionine is located at codon 25. This variant is present in population databases (rs147379960, gnomAD 0.03%). This variant has not been reported in the literature in individuals affected with PIGP-related conditions. ClinVar contains an entry for this variant (Variation ID: 1420026). Experimental studies and prediction algorithms are not available or were not evaluated, and the functional significance of this variant is currently unknown. In summary, the available evidence is currently insufficient to determine the role of this variant in disease. Therefore, it has been classified as a Variant of Uncertain Significance.

Breakthrough Genomics
Classification: Uncertain significance. Review status: criteria provided, single submitter. Criteria: ACMG Guidelines, 2015. Collection method: not provided. Allele origin: germline. Inheritance: Autosomal dominant inheritance. Affected: yes.